The following is an entry in ClinVar:

ClinVar aggregate classification (germline): Pathogenic (1 of 4 stars; one submission).

Conditions:
Neurodevelopmental disorder with or without hyperkinetic movements and seizures, autosomal dominant. Also called: Intellectual disability, autosomal dominant 8. Identifiers: MedGen C3280282, MONDO:0013655, OMIM 614254.

Submission:

Labcorp Genetics (formerly Invitae), Labcorp
Classification: Pathogenic for Neurodevelopmental disorder with or without hyperkinetic movements and seizures, autosomal dominant. Last evaluated: 2025-05-19. Review status: criteria provided, single submitter. Criteria: Invitae Variant Classification Sherloc (09022015). Collection method: clinical testing. Allele origin: germline.
Comment: This sequence change replaces methionine, which is neutral and non-polar, with threonine, which is neutral and polar, at codon 813 of the GRIN1 protein (p.Met813Thr). This variant is not present in population databases (gnomAD no frequency). This missense change has been observed in individual(s) with autosomal dominant GRIN1-related conditions (internal data). In at least one individual the variant was observed to be de novo. ClinVar contains an entry for this variant (Variation ID: 1445348). Invitae Evidence Modeling of protein sequence and biophysical properties (such as structural, functional, and spatial information, amino acid conservation, physicochemical variation, residue mobility, and thermodynamic stability) indicates that this missense variant is expected to disrupt GRIN1 protein function with a positive predictive value of 95%. For these reasons, this variant has been classified as Pathogenic.

NM_007327.4(GRIN1):c.2438T>C (p.Met813Thr)

Gene: GRIN1 (glutamate ionotropic receptor NMDA type subunit 1; plus strand). Cytogenetic location: 9q34.3.
Variant type: single nucleotide variant.
Coding change: c.2438T>C on transcript NM_007327.4 (MANE Select); coding-DNA position 2438, T replaced by C.
Protein change: p.Met813Thr; replaces methionine 813 with threonine.
Molecular consequence: missense variant.
Genome position (GRCh38, 1-based): chr9:137,163,663, T>C. VCF-style: chr9-137163663-T-C. GRCh37 (hg19) VCF-style: chr9-140058115-T-C.
Other names: c.2438T>C, p.Met813Thr (NM_000832.7, NM_021569.4); c.2501T>C, p.Met834Thr (NM_001185090.2, NM_001185091.2); short protein forms M834T, M813T.
Identifiers: ClinVar variation 1445348 (VCV001445348.6), dbSNP rs2131302722, ClinGen allele CA375725981.